The following is an entry in ClinVar:

ClinVar aggregate classification (germline): Pathogenic. Review status: criteria provided, single submitter (1 of 4 stars). 2 submissions from 2 submitters: Pathogenic (1). 1 of the submissions does not count toward it. Last evaluated 2025-03-17.

Submissions (2):

Labcorp Genetics (formerly Invitae), Labcorp
Classification: Pathogenic. Last evaluated: 2025-03-17. Review status: criteria provided, single submitter. Criteria: Invitae Variant Classification Sherloc (09022015). Collection method: clinical testing. Allele origin: germline.
Comment: This sequence change replaces asparagine, which is neutral and polar, with histidine, which is basic and polar, at codon 296 of the BEST1 protein (p.Asn296His). This variant is not present in population databases (gnomAD no frequency). This missense change has been observed in individuals with autosomal dominant BEST1-related conditions (PMID: 10798642; internal data). ClinVar contains an entry for this variant (Variation ID: 99763). Invitae Evidence Modeling of protein sequence and biophysical properties (such as structural, functional, and spatial information, amino acid conservation, physicochemical variation, residue mobility, and thermodynamic stability) indicates that this missense variant is expected to disrupt BEST1 protein function with a positive predictive value of 95%. Experimental studies have shown that this missense change does not substantially affect BEST1 function (PMID: 17110374). This variant disrupts the p.Asn296 amino acid residue in BEST1. Other variant(s) that disrupt this residue have been observed in individuals with BEST1-related conditions (PMID: 11241846, 17296903, 17698758, 27031371), which suggests that this may be a clinically significant amino acid residue. For these reasons, this variant has been classified as Pathogenic.

Retina International
No classification provided. Review status: no classification provided. Collection method: not provided. Allele origin: not provided. Not counted in ClinVar's aggregate classification.

Literature cited by the submitters: PubMed 10798642 (cited by Labcorp Genetics (formerly Invitae), Labcorp); PubMed 17110374 (cited by Labcorp Genetics (formerly Invitae), Labcorp); PubMed 11241846 (cited by Labcorp Genetics (formerly Invitae), Labcorp); PubMed 17296903 (cited by Labcorp Genetics (formerly Invitae), Labcorp); PubMed 17698758 (cited by Labcorp Genetics (formerly Invitae), Labcorp); PubMed 27031371 (cited by Labcorp Genetics (formerly Invitae), Labcorp).

NM_004183.4(BEST1):c.886A>C (p.Asn296His)

Gene: BEST1 (bestrophin 1; plus strand). Cytogenetic location: 11q12.3.
Variant type: single nucleotide variant.
Coding change: c.886A>C on transcript NM_004183.4 (MANE Select); coding-DNA position 886, A replaced by C.
Protein change: p.Asn296His; replaces asparagine 296 with histidine.
Molecular consequence: missense variant. On other transcripts: synonymous variant (1), non-coding transcript variant (1), intron variant (1).
Genome position (GRCh38, 1-based): chr11:61,959,516, A>C. VCF-style: chr11-61959516-A-C. GRCh37 (hg19) VCF-style: chr11-61726988-A-C.
Other names: c.706A>C, p.Asn236His (NM_001139443.3, NM_001300787.2); c.568A>C, p.Asn190His (NM_001363591.3); c.1089A>C, p.Ser363= (NM_001363592.2); c.-87A>C (NM_001363593.3); c.688-376A>C (NM_001300786.2); short protein forms N296H, N190H, N236H.
Identifiers: ClinVar variation 99763 (VCV000099763.7), dbSNP rs281865254, ClinGen allele CA227833.